The following is an entry in ClinVar:

ClinVar aggregate classification (germline): Uncertain significance (1 of 4 stars; one submission).

Conditions:
Primary ciliary dyskinesia. Also called: Ciliary dyskinesia. Identifiers: Orphanet 244, MedGen C0008780, MONDO:0016575, HP:0012265.

Allele frequency attached by ClinVar (database versions not stated): gnomAD exomes below 0.00001.
gnomAD v4.1: 4 of 1,613,542 alleles (0.00025%); highest among the groups gnomAD compares: Admixed American, 0.0033%; no homozygotes.

Submission:

Ambry Genetics
Classification: Uncertain significance for Primary ciliary dyskinesia. Last evaluated: 2023-01-15. Review status: criteria provided, single submitter. Criteria: Ambry Variant Classification Scheme 2023. Collection method: clinical testing. Allele origin: germline.
Comment: The p.D3748N variant (also known as c.11242G>A), located in coding exon 69 of the DNAH11 gene, results from a G to A substitution at nucleotide position 11242. The aspartic acid at codon 3748 is replaced by asparagine, an amino acid with highly similar properties. This amino acid position is conserved. In addition, this alteration is predicted to be tolerated by in silico analysis. Since supporting evidence is limited at this time, the clinical significance of this alteration remains unclear.

NM_001277115.2(DNAH11):c.11242G>A (p.Asp3748Asn)

Gene: DNAH11 (dynein axonemal heavy chain 11; plus strand). Cytogenetic location: 7p15.3.
Variant type: single nucleotide variant.
Coding change: c.11242G>A on transcript NM_001277115.2 (MANE Select); coding-DNA position 11242, G replaced by A.
Protein change: p.Asp3748Asn; replaces aspartic acid 3748 with asparagine.
Molecular consequence: missense variant.
Genome position (GRCh38, 1-based): chr7:21,861,892, G>A. VCF-style: chr7-21861892-G-A. GRCh37 (hg19) VCF-style: chr7-21901510-G-A.
Other names: c.11263G>A, p.Asp3755Asn (NM_003777.3); short protein forms D3748N, D3755N.
Identifiers: ClinVar variation 2454179 (VCV002454179.2), dbSNP rs1488189007, ClinGen allele CA366961222.